The following is an entry in ClinVar:

NM_001384474.1(LOXHD1):c.1072dup (p.Leu358fs)

Gene: LOXHD1 (lipoxygenase homology PLAT domains 1; minus strand). Cytogenetic location: 18q21.1.
Variant type: Duplication.
Coding change: c.1072dup on transcript NM_001384474.1 (MANE Select); coding-DNA position 1072, one base duplicated (C; older notation c.1072dupC).
Protein change: p.Leu358fs; shifts the reading frame from leucine 358.
Molecular consequence: frameshift variant.
Genome position (GRCh38, 1-based): chr18:46,601,279, G duplicated on the plus strand (C on the coding strand, the reverse complement: LOXHD1 is on the minus strand); the first of 5 consecutive G bases (chr18:46,601,279-46,601,283); duplicating any one gives the same sequence. VCF-style (leftmost placement, unchanged base first): chr18-46601278-A-AG. GRCh37 (hg19) VCF-style: chr18-44181241-A-AG.
Other names: c.1072dup, p.Leu358fs (NM_144612.7); short protein forms L358fs.
Identifiers: ClinVar variation 3601198 (VCV003601198.2).

ClinVar aggregate classification (germline): Likely pathogenic. Review status: criteria provided, multiple submitters, no conflicts (2 of 4 stars). 2 submissions from 2 submitters: Likely pathogenic (2). Last evaluated 2025-01-09.

Conditions:
Autosomal recessive nonsyndromic hearing loss 77. Identifiers: Orphanet 90636, MedGen C2746083, MONDO:0013119, OMIM 613079.
LOXHD1-related disorder. Also called: LOXHD1-related condition.

Submissions (2):

Institute of Rare Diseases, West China Hospital, Sichuan University
Classification: Likely pathogenic for Autosomal recessive nonsyndromic hearing loss 77. Last evaluated: 2025-01-09. Review status: criteria provided, single submitter. Criteria: ClinGen HL ACMG Specifications v1. Collection method: research. Allele origin: germline. Affected: yes.
Comment: PVS1;PM2_Supporting

Blueprint Genetics
Classification: Likely pathogenic for LOXHD1-related disorders. Last evaluated: 2020-01-02. Review status: criteria provided, single submitter. Criteria: ACMG Guidelines, 2015. Collection method: clinical testing. Allele origin: germline. Affected: yes. Observed: 1 variant allele.